The following is an entry in ClinVar:

ClinVar aggregate classification (germline): Uncertain significance (1 of 4 stars; one submission).

Allele frequency attached by ClinVar (database versions not stated): gnomAD 0.00001.
gnomAD v4.1: 1 of 1,614,070 alleles (0.000062%); no homozygotes.

Submission:

GeneDx
Classification: Uncertain significance. Last evaluated: 2022-06-16. Review status: criteria provided, single submitter. Criteria: GeneDx Variant Classification Process June 2021. Collection method: clinical testing. Allele origin: germline. Affected: yes.
Comment: Not observed at significant frequency in large population cohorts (gnomAD); In silico analysis supports that this missense variant has a deleterious effect on protein structure/function; Has not been previously published as pathogenic or benign to our knowledge

NM_001020658.2(PUM1):c.185C>G (p.Ser62Cys)

Gene: PUM1 (pumilio RNA binding family member 1; minus strand). Cytogenetic location: 1p35.2.
Variant type: single nucleotide variant.
Coding change: c.185C>G on transcript NM_001020658.2 (MANE Select); coding-DNA position 185, C replaced by G.
Protein change: p.Ser62Cys; replaces serine 62 with cysteine.
Molecular consequence: missense variant.
Genome position (GRCh38, 1-based): chr1:31,059,382, G>C on the plus strand (C>G on the coding strand, the complement: PUM1 is on the minus strand). VCF-style: chr1-31059382-G-C. GRCh37 (hg19) VCF-style: chr1-31532229-G-C.
Other names: c.185C>G, p.Ser62Cys (NM_014676.3); short protein forms S62C.
Identifiers: ClinVar variation 1804548 (VCV001804548.1), dbSNP rs200827919, ClinGen allele CA339572654.
Genomic context (GRCh38, chr1:31,059,382, plus strand): 5'-TCCACCATAGCGTCGTCCTGGGAACGGCCTGCAACTCCTATAGATCCTGGGACAGGGCTG[G>C]AGTGAGTCCCAGCTGCAAGAGCCTGATTTGCAGCTGGTTGTGGCTGCGCTTGCGACCCTG-3'
Protein context (NP_001018494.1, residues 52-72): ANQALAAGTH[Ser62Cys]SPVPGSIGVA